The following is an entry in ClinVar:

ClinVar aggregate classification (germline): Likely pathogenic (1 of 4 stars; one submission).

gnomAD v4.1: 1 of 1,613,168 alleles (0.000062%); highest among the groups gnomAD compares: Admixed American, 0.0017%; no homozygotes.

Submission:

GeneDx
Classification: Likely pathogenic. Last evaluated: 2026-02-18. Review status: criteria provided, single submitter. Criteria: GeneDx Variant Classification Process June 2021. Collection method: clinical testing. Allele origin: germline.
Comment: Not observed at significant frequency in large population cohorts (gnomAD); Targeted RNA studies using blood from this patient and their mother demonstrate that this variant alters RNA splicing by leading to an aberrant splice product with exon 5 skipping and a predicted in-frame 27 amino acid loss on the protein level. In the mother's blood sample, the aberrant splice product and wild-type product were detected at apparently similar levels, while in the proband's sample the aberrant splice product was detected with no wild-type product observed.; In silico analysis supports a deleterious effect on splicing; Has not been previously published as pathogenic or benign to our knowledge

NM_015378.4(VPS13D):c.447+3A>C

Gene: VPS13D (vacuolar protein sorting 13 homolog D; plus strand). Cytogenetic location: 1p36.22.
Variant type: single nucleotide variant.
Coding change: c.447+3A>C on transcript NM_015378.4 (MANE Select); 3 bases into the intron after coding-DNA position 447, A replaced by C.
Molecular consequence: intron variant.
Genome position (GRCh38, 1-based): chr1:12,244,620, A>C. VCF-style: chr1-12244620-A-C. GRCh37 (hg19) VCF-style: chr1-12304677-A-C.
Other names: c.447+3A>C (NM_018156.4).
Identifiers: ClinVar variation 3775006 (VCV003775006.2).
Genomic context (GRCh38, chr1:12,244,620, plus strand): 5'-GTCCTATTGGTATTCAGTTACCGCCTCCGTAGTTACAAGGATTGTGGAGAATATTGAAGT[A>C]AGTCCTGCTGACTTTTATAAAAGTATCAACGTGAAAGGGATTTCTCAGGTTTAAACGTGT-3'